The following is an entry in ClinVar:

NM_000218.3(KCNQ1):c.1129-5C>T

Gene: KCNQ1 (potassium voltage-gated channel subfamily Q member 1; plus strand). Cytogenetic location: 11p15.5.
Variant type: single nucleotide variant.
Coding change: c.1129-5C>T on transcript NM_000218.3 (MANE Select); 5 bases into the intron before coding-DNA position 1129, C replaced by T.
Molecular consequence: intron variant.
Genome position (GRCh38, 1-based): chr11:2,587,565, C>T. VCF-style: chr11-2587565-C-T. GRCh37 (hg19) VCF-style: chr11-2608795-C-T.
Other names: c.859-5C>T (NM_001406837.1); c.1033-5C>T (NM_001406836.1); c.589-5C>T (NM_001406838.1); c.748-5C>T (NM_181798.2).
Identifiers: ClinVar variation 4614403 (VCV004614403.2).

ClinVar aggregate classification (germline): Conflicting classifications of pathogenicity. Review status: criteria provided, conflicting classifications (1 of 4 stars). 2 submissions from 2 submitters: Uncertain significance (1); Likely benign (1). Last evaluated 2025-11-17.

Conditions:
Cardiovascular phenotype. Identifiers: MedGen CN230736.
Long QT syndrome (LQTS). Identifiers: MedGen C0023976, MeSH D008133, MONDO:0002442. Disease mechanism: loss of function. Inheritance: Various modes of inheritance.

Submissions (2):

Ambry Genetics
Classification: Uncertain significance for Cardiovascular phenotype. Last evaluated: 2025-11-17. Review status: criteria provided, single submitter. Criteria: Ambry Variant Classification Scheme 2023. Collection method: clinical testing. Allele origin: germline.
Comment: The c.1129-5C>T intronic variant results from a C to T substitution 5 nucleotides upstream from coding exon 9 in the KCNQ1 gene. This nucleotide position is poorly conserved in available vertebrate species. In silico splice site analysis predicts that this alteration will not have any significant effect on splicing. Based on the available evidence, the clinical significance of this variant remains unclear.

Labcorp Genetics (formerly Invitae), Labcorp
Classification: Likely benign for Long QT syndrome. Last evaluated: 2025-08-31. Review status: criteria provided, single submitter. Criteria: Invitae Variant Classification Sherloc (09022015). Collection method: clinical testing. Allele origin: germline.